The following is an entry in ClinVar:

ClinVar aggregate classification (germline): Uncertain significance (1 of 4 stars; one submission).

Conditions:
Hereditary cancer-predisposing syndrome. Also called: Neoplastic Syndromes, Hereditary; Tumor predisposition; Hereditary Cancer Syndrome; Hereditary neoplastic syndrome. Identifiers: Orphanet 140162, MedGen C0027672, MeSH D009386, MONDO:0015356.

Allele frequency attached by ClinVar (database versions not stated): gnomAD exomes below 0.00001.

Submission:

Ambry Genetics
Classification: Uncertain significance for Hereditary cancer-predisposing syndrome. Last evaluated: 2020-08-10. Review status: criteria provided, single submitter. Criteria: Ambry Variant Classification Scheme 2023. Collection method: clinical testing. Allele origin: germline.
Comment: The p.D253N variant (also known as c.757G>A), located in coding exon 4 of the MSH6 gene, results from a G to A substitution at nucleotide position 757. The aspartic acid at codon 253 is replaced by asparagine, an amino acid with highly similar properties. This amino acid position is well conserved in available vertebrate species. In addition, the in silico prediction for this alteration is inconclusive. Since supporting evidence is limited at this time, the clinical significance of this alteration remains unclear.

NM_000179.3(MSH6):c.757G>A (p.Asp253Asn)

Gene: MSH6 (mutS homolog 6; plus strand). Cytogenetic location: 2p16.3.
Variant type: single nucleotide variant.
Coding change: c.757G>A on transcript NM_000179.3 (MANE Select); coding-DNA position 757, G replaced by A.
Protein change: p.Asp253Asn; replaces aspartic acid 253 with asparagine.
Molecular consequence: missense variant. On other transcripts: 5 prime UTR variant (2).
Genome position (GRCh38, 1-based): chr2:47,798,740, G>A. VCF-style: chr2-47798740-G-A. GRCh37 (hg19) VCF-style: chr2-48025879-G-A.
Other names: c.367G>A, p.Asp123Asn (NM_001281492.2); c.-150G>A (NM_001281493.2, NM_001281494.2, NM_001406811.1 and 6 more transcripts); c.853G>A, p.Asp285Asn (NM_001406795.1, NM_001406802.1); c.757G>A, p.Asp253Asn (NM_001406796.1, NM_001406798.1, NM_001406800.1 and 4 more transcripts); c.460G>A, p.Asp154Asn (NM_001406797.1, NM_001406801.1, NM_001406805.1 and 10 more transcripts); c.232G>A, p.Asp78Asn (NM_001406799.1, NM_001406806.1, NM_001406807.1); c.679G>A, p.Asp227Asn (NM_001406804.1); c.763G>A, p.Asp255Asn (NM_001406813.1); and 1 more; short protein forms D253N, D285N, D197N, D255N, D78N, D227N, D123N, D154N.
Identifiers: ClinVar variation 1759616 (VCV001759616.2), dbSNP rs2104295794, ClinGen allele CA346740147.